The following is an entry in ClinVar:

NM_015215.4(CAMTA1):c.1892C>T (p.Thr631Ile)

Gene: CAMTA1 (calmodulin binding transcription activator 1; plus strand). Cytogenetic location: 1p36.23.
Variant type: single nucleotide variant.
Coding change: c.1892C>T on transcript NM_015215.4 (MANE Select); coding-DNA position 1892, C replaced by T.
Protein change: p.Thr631Ile; replaces threonine 631 with isoleucine.
Molecular consequence: missense variant.
Genome position (GRCh38, 1-based): chr1:7,664,439, C>T. VCF-style: chr1-7664439-C-T. GRCh37 (hg19) VCF-style: chr1-7724499-C-T.
Other names: c.1802C>T, p.Thr601Ile (NM_001349608.2, NM_001349612.2); c.1892C>T, p.Thr631Ile (NM_001349609.2, NM_001349610.2, NM_001410737.1); c.1820C>T, p.Thr607Ile (NM_001410738.1); short protein forms T631I, T601I, T607I.
Identifiers: ClinVar variation 4795531 (VCV004795531.1).

ClinVar aggregate classification (germline): Uncertain significance (1 of 4 stars; one submission).

Submission:

GeneDx
Classification: Uncertain significance. Last evaluated: 2025-08-13. Review status: criteria provided, single submitter. Criteria: GeneDx Variant Classification Process June 2021. Collection method: clinical testing. Allele origin: germline. Affected: yes.
Comment: Not observed at significant frequency in large population cohorts (gnomAD); In silico analysis suggests that this missense variant does not alter protein structure/function; Has not been previously published as pathogenic or benign to our knowledge